The following is an entry in ClinVar:

ClinVar aggregate classification (germline): Uncertain significance (1 of 4 stars; one submission).

Submission:

Greenwood Genetic Center Diagnostic Laboratories, Greenwood Genetic Center
Classification: Uncertain significance. Last evaluated: 2025-01-27. Review status: criteria provided, single submitter. Criteria: ACMG Guidelines, 2015. Collection method: clinical testing. Allele origin: germline.
Comment: PM2, PP2, PP3

NM_001385079.1(PDE10A):c.2896G>A (p.Gly966Ser)

Gene: PDE10A (phosphodiesterase 10A; minus strand). Cytogenetic location: 6q27.
Variant type: single nucleotide variant.
Coding change: c.2896G>A on transcript NM_001385079.1 (MANE Select); coding-DNA position 2896, G replaced by A.
Protein change: p.Gly966Ser; replaces glycine 966 with serine.
Molecular consequence: missense variant.
Genome position (GRCh38, 1-based): chr6:165,339,358, C>T on the plus strand (G>A on the coding strand, the complement: PDE10A is on the minus strand). VCF-style: chr6-165339358-C-T. GRCh37 (hg19) VCF-style: chr6-165752847-C-T.
Other names: c.2098G>A, p.Gly700Ser (NM_001130690.3); c.2068G>A, p.Gly690Ser (NM_006661.4); short protein forms G690S, G700S, G966S.
Identifiers: ClinVar variation 4851760 (VCV004851760.1).
Genomic context (GRCh38, chr6:165,339,358, plus strand): 5'-CCTTCTTGTCTCTGTCCATCATAGGAATAGGCTGTATTCCCAATTTCTTCATTTCATCAC[C>T]CTAAGATGAATGGGGAGAAAATCATGCTTTCTCAAATTTCAAATTGCTATACTATTTTGA-3'
Protein context (NP_001372008.1, residues 956-976): NDIYAEFWAE[Gly966Ser]DEMKKLGIQP